The following is an entry in ClinVar:

ClinVar aggregate classification (germline): Uncertain significance (1 of 4 stars; one submission).

Conditions:
Epidermolysis bullosa simplex with nail dystrophy (EBS5D). Identifiers: MedGen C4225309, MONDO:0014661, OMIM 616487.
Epidermolysis bullosa simplex, Ogna type (EBS5A). Also called: EPIDERMOLYSIS BULLOSA SIMPLEX 5A, OGNA TYPE; Pidermolysis bullosa simplex 5A, Ogna type. Identifiers: Orphanet 79401, MedGen C0432317, MONDO:0007555, OMIM 131950.
Autosomal recessive limb-girdle muscular dystrophy type 2Q (LGMDR17). Also called: MUSCULAR DYSTROPHY, LIMB-GIRDLE, AUTOSOMAL RECESSIVE 17. Identifiers: Orphanet 254361, MedGen C3150989, MONDO:0013390, OMIM 613723.
Epidermolysis bullosa simplex 5B, with muscular dystrophy (EBS5B). Also called: EPIDERMOLYSIS BULLOSA SIMPLEX AND LIMB-GIRDLE MUSCULAR DYSTROPHY; Epidermolysis bullosa simplex with muscular dystrophy. Identifiers: Orphanet 257, MedGen C2931072, MONDO:0009181, OMIM 226670.
Epidermolysis bullosa simplex 5C, with pyloric atresia (EBS5C). Also called: PLEC-Related Epidermolysis Bullosa with Pyloric Atresia; Epidermolysis bullosa simplex with pyloric atresia; PLEC1-Related Epidermolysis Bullosa with Pyloric Atresia. Identifiers: Orphanet 158684, MedGen C2677349, MONDO:0012807, OMIM 612138.

Submission:

Labcorp Genetics (formerly Invitae), Labcorp
Classification: Uncertain significance for Autosomal recessive limb-girdle muscular dystrophy type 2Q; Epidermolysis bullosa simplex, Ogna type; Epidermolysis bullosa simplex with nail dystrophy; Epidermolysis bullosa simplex 5C, with pyloric atresia; Epidermolysis bullosa simplex 5B, with muscular dystrophy. Last evaluated: 2025-12-09. Review status: criteria provided, single submitter. Criteria: Invitae Variant Classification Sherloc (09022015). Collection method: clinical testing. Allele origin: germline.
Comment: This sequence change replaces alanine, which is neutral and non-polar, with threonine, which is neutral and polar, at codon 1764 of the PLEC protein (p.Ala1764Thr). This variant is not present in population databases (gnomAD no frequency). This variant has not been reported in the literature in individuals affected with PLEC-related conditions. An algorithm developed to predict the effect of missense changes on protein structure and function outputs the following: PolyPhen-2: "Not Available". The threonine amino acid residue is found in multiple mammalian species, which suggests that this missense change does not adversely affect protein function. In summary, the available evidence is currently insufficient to determine the role of this variant in disease. Therefore, it has been classified as a Variant of Uncertain Significance.

NM_201384.3(PLEC):c.5209G>A (p.Ala1737Thr)

Gene: PLEC (plectin; minus strand). Cytogenetic location: 8q24.3.
Variant type: single nucleotide variant.
Coding change: c.5209G>A on transcript NM_201384.3 (MANE Select); coding-DNA position 5209, G replaced by A.
Protein change: p.Ala1737Thr; replaces alanine 1737 with threonine.
Molecular consequence: missense variant. On other transcripts: intron variant (1).
Genome position (GRCh38, 1-based): chr8:143,924,720, C>T on the plus strand (G>A on the coding strand, the complement: PLEC is on the minus strand). VCF-style: chr8-143924720-C-T. GRCh37 (hg19) VCF-style: chr8-144998888-C-T.
Other names: c.5290G>A, p.Ala1764Thr (NM_000445.5); c.5167G>A, p.Ala1723Thr (NM_201378.4); c.5143G>A, p.Ala1715Thr (NM_201379.3); c.5620G>A, p.Ala1874Thr (NM_201380.4); c.5113G>A, p.Ala1705Thr (NM_201381.3); c.5209G>A, p.Ala1737Thr (NM_201382.4); c.5221G>A, p.Ala1741Thr (NM_201383.3); c.4125+2064G>A (NM_001410941.1); short protein forms A1715T, A1723T, A1764T, A1737T, A1741T, A1705T, A1874T.
Identifiers: ClinVar variation 4789187 (VCV004789187.1).
Genomic context (GRCh38, chr8:143,924,720, plus strand): 5'-GCTCGGCTTCCAGCTCCTGCCGTTTCTGCGTGGCTGCAGCCGCCTCACGCTGCAGCCGGG[C>T]CAGCTCCTCCTCCAGCAGCTGCCGCTGCTGCTCCCCCTGCTCCGTCTCGGCCCGCAGCCG-3'
Protein context (NP_958786.1, residues 1727-1747): QQRQLLEEEL[Ala1737Thr]RLQREAAAAT